The following is an entry in ClinVar:

NM_032043.3(BRIP1):c.769G>A (p.Ala257Thr)

Gene: BRIP1 (BRCA1 interacting DNA helicase 1; minus strand). Cytogenetic location: 17q23.2.
Variant type: single nucleotide variant.
Coding change: c.769G>A on transcript NM_032043.3 (MANE Select); coding-DNA position 769, G replaced by A.
Protein change: p.Ala257Thr; replaces alanine 257 with threonine.
Molecular consequence: missense variant.
Genome position (GRCh38, 1-based): chr17:61,808,616, C>T on the plus strand (G>A on the coding strand, the complement: BRIP1 is on the minus strand). VCF-style: chr17-61808616-C-T. GRCh37 (hg19) VCF-style: chr17-59885977-C-T.
Other names: short protein forms A257T.
Identifiers: ClinVar variation 827203 (VCV000827203.14), dbSNP rs754515912, ClinGen allele CA400484947.
Genomic context (GRCh38, chr17:61,808,616, plus strand): 5'-AAAGAATAGTCATTGGAACCCCTGAATATGCCGTCCTCCGGAGCTCTCTAGTAATCTGAG[C>T]AATCTGCTTGTGTGTGCGTGTCCCAAAATATATTTTGGGTATCTTGGATTTCCCTGTATG-3'
Protein context (NP_114432.2, residues 247-267): YFGTRTHKQI[Ala257Thr]QITRELRRTA

ClinVar aggregate classification (germline): Uncertain significance. Review status: criteria provided, multiple submitters, no conflicts (2 of 4 stars). 2 submissions from 2 submitters: Uncertain significance (2). Last evaluated 2025-09-28.

Conditions:
Hereditary cancer-predisposing syndrome. Also called: Neoplastic Syndromes, Hereditary; Hereditary Cancer Syndrome; Hereditary neoplastic syndrome; Tumor predisposition. Identifiers: Orphanet 140162, MedGen C0027672, MeSH D009386, MONDO:0015356.
Fanconi anemia complementation group J. Also called: BRIP1-Related Fanconi Anemia. Identifiers: Orphanet 84, MedGen C1836860, MONDO:0012187, OMIM 609054.
Familial cancer of breast. Also called: hereditary breast carcinoma; BREAST CANCER, FAMILIAL; Hereditary breast cancer. Identifiers: Orphanet 227535, MedGen C0346153, MONDO:0016419, OMIM 114480. Disease mechanism: loss of function.

Allele frequency attached by ClinVar (database versions not stated): TOPMed below 0.00001.

Submissions (2):

Ambry Genetics
Classification: Uncertain significance for Hereditary cancer-predisposing syndrome. Last evaluated: 2025-09-28. Review status: criteria provided, single submitter. Criteria: Ambry Variant Classification Scheme 2023. Collection method: clinical testing. Allele origin: germline.
Comment: The p.A257T variant (also known as c.769G>A), located in coding exon 6 of the BRIP1 gene, results from a G to A substitution at nucleotide position 769. The alanine at codon 257 is replaced by threonine, an amino acid with similar properties. This amino acid position is well conserved in available vertebrate species. In addition, this alteration is predicted to be tolerated by in silico analysis. Since supporting evidence is limited at this time, the clinical significance of this alteration remains unclear.

Labcorp Genetics (formerly Invitae), Labcorp
Classification: Uncertain significance for Familial cancer of breast; Fanconi anemia complementation group J. Last evaluated: 2021-03-08. Review status: criteria provided, single submitter. Criteria: Invitae Variant Classification Sherloc (09022015). Collection method: clinical testing. Allele origin: germline.
Comment: In summary, the available evidence is currently insufficient to determine the role of this variant in disease. Therefore, it has been classified as a Variant of Uncertain Significance. This sequence change replaces alanine with threonine at codon 257 of the BRIP1 protein (p.Ala257Thr). The alanine residue is moderately conserved and there is a small physicochemical difference between alanine and threonine. This variant is not present in population databases (ExAC no frequency). This variant has not been reported in the literature in individuals with BRIP1-related conditions. ClinVar contains an entry for this variant (Variation ID: 827203). Algorithms developed to predict the effect of missense changes on protein structure and function (SIFT, PolyPhen-2, Align-GVGD) all suggest that this variant is likely to be tolerated, but these predictions have not been confirmed by published functional studies and their clinical significance is uncertain.